The following is an entry in ClinVar:

ClinVar aggregate classification (germline): Pathogenic/Likely pathogenic. Review status: criteria provided, multiple submitters, no conflicts (2 of 4 stars). 2 submissions from 2 submitters: Pathogenic (1); Likely pathogenic (1). Last evaluated 2024-12-19.

Conditions:
Kidney disorder. Also called: renal disease; renal disorder; Nephropathy; Kidney disease; Kidney Diseases. Identifiers: MedGen C0022658, MONDO:0005240, HP:0000112.
Pierson syndrome. Also called: MICROCORIA-CONGENITAL NEPHROTIC SYNDROME. Identifiers: Orphanet 2670, MedGen C1836876, MONDO:0012184, OMIM 609049.
LAMB2-related infantile-onset nephrotic syndrome. Also called: Nephrotic Syndrome, type 5; NEPHROTIC SYNDROME, TYPE 5, WITHOUT OCULAR ABNORMALITIES; NEPHROTIC SYNDROME, TYPE 5, WITH OCULAR ABNORMALITIES. Identifiers: Orphanet 306507, MedGen C3280113, MONDO:0013621, OMIM 614199.

Submissions (2):

Labcorp Genetics (formerly Invitae), Labcorp
Classification: Pathogenic for LAMB2-related infantile-onset nephrotic syndrome; Pierson syndrome. Last evaluated: 2024-12-19. Review status: criteria provided, single submitter. Criteria: Invitae Variant Classification Sherloc (09022015). Collection method: clinical testing. Allele origin: germline.
Comment: This sequence change creates a premature translational stop signal (p.Ser790*) in the LAMB2 gene. It is expected to result in an absent or disrupted protein product. Loss-of-function variants in LAMB2 are known to be pathogenic (PMID: 15367484). This variant is not present in population databases (gnomAD no frequency). This variant has not been reported in the literature in individuals affected with LAMB2-related conditions. ClinVar contains an entry for this variant (Variation ID: 1712424). For these reasons, this variant has been classified as Pathogenic.

Genome Diagnostics Laboratory, The Hospital for Sick Children
Classification: Likely pathogenic for Kidney disorder. Last evaluated: 2019-02-01. Review status: criteria provided, single submitter. Criteria: ACMG Guidelines, 2015. Collection method: clinical testing. Allele origin: germline.

Literature cited by the submitters: PubMed 15367484 (cited by Labcorp Genetics (formerly Invitae), Labcorp).

NM_002292.4(LAMB2):c.2369C>G (p.Ser790Ter)

Gene: LAMB2 (laminin subunit beta 2; minus strand). Cytogenetic location: 3p21.31.
Variant type: single nucleotide variant.
Coding change: c.2369C>G on transcript NM_002292.4 (MANE Select); coding-DNA position 2369, C replaced by G.
Protein change: p.Ser790Ter; replaces serine 790 with a stop codon.
Molecular consequence: nonsense.
Genome position (GRCh38, 1-based): chr3:49,125,866, G>C on the plus strand (C>G on the coding strand, the complement: LAMB2 is on the minus strand). VCF-style: chr3-49125866-G-C. GRCh37 (hg19) VCF-style: chr3-49163299-G-C.
Other names: short protein forms S790*.
Identifiers: ClinVar variation 1712424 (VCV001712424.4), dbSNP rs2472543506, ClinGen allele CA352724767.